The following is an entry in ClinVar:

ClinVar aggregate classification (germline): Uncertain significance (1 of 4 stars; one submission).

Conditions:
Long QT syndrome (LQTS). Identifiers: MedGen C0023976, MeSH D008133, MONDO:0002442. Disease mechanism: loss of function. Inheritance: Various modes of inheritance.

Submission:

Labcorp Genetics (formerly Invitae), Labcorp
Classification: Uncertain significance for Long QT syndrome. Last evaluated: 2025-09-24. Review status: criteria provided, single submitter. Criteria: Invitae Variant Classification Sherloc (09022015). Collection method: clinical testing. Allele origin: germline.
Comment: This sequence change replaces glutamine, which is neutral and polar, with leucine, which is neutral and non-polar, at codon 1110 of the KCNH2 protein (p.Gln1110Leu). This variant is not present in population databases (gnomAD no frequency). This variant has not been reported in the literature in individuals affected with KCNH2-related conditions. An algorithm developed to predict the effect of missense changes on protein structure and function (PolyPhen-2) suggests that this variant is likely to be tolerated. In summary, the available evidence is currently insufficient to determine the role of this variant in disease. Therefore, it has been classified as a Variant of Uncertain Significance.

NM_000238.4(KCNH2):c.3329A>T (p.Gln1110Leu)

Gene: KCNH2 (potassium voltage-gated channel subfamily H member 2; minus strand). Cytogenetic location: 7q36.1.
Variant type: single nucleotide variant.
Coding change: c.3329A>T on transcript NM_000238.4 (MANE Select); coding-DNA position 3329, A replaced by T.
Protein change: p.Gln1110Leu; replaces glutamine 1110 with leucine.
Molecular consequence: missense variant. On other transcripts: non-coding transcript variant (2).
Genome position (GRCh38, 1-based): chr7:150,946,878, T>A on the plus strand (A>T on the coding strand, the complement: KCNH2 is on the minus strand). VCF-style: chr7-150946878-T-A. GRCh37 (hg19) VCF-style: chr7-150643966-T-A.
Other names: c.3041A>T, p.Gln1014Leu (NM_001406753.1); c.2309A>T, p.Gln770Leu (NM_172057.3); short protein forms Q1014L, Q770L, Q1110L.
Identifiers: ClinVar variation 4723522 (VCV004723522.1).